The following is an entry in ClinVar:

ClinVar aggregate classification (germline): Uncertain significance. Review status: criteria provided, multiple submitters, no conflicts (2 of 4 stars). 2 submissions from 2 submitters: Uncertain significance (2). Last evaluated 2025-01-17.

Conditions:
Hereditary cancer-predisposing syndrome. Also called: Hereditary Cancer Syndrome; Hereditary neoplastic syndrome; Tumor predisposition; Neoplastic Syndromes, Hereditary. Identifiers: Orphanet 140162, MedGen C0027672, MeSH D009386, MONDO:0015356.
Oligodontia-cancer predisposition syndrome. Also called: TOOTH AGENESIS-COLORECTAL CANCER SYNDROME. Identifiers: Orphanet 300576, MedGen C1837750, MONDO:0012075, OMIM 608615. Disease mechanism: loss of function.

Allele frequency attached by ClinVar (database versions not stated): gnomAD exomes below 0.00001.
gnomAD v4.1: 3 of 1,613,008 alleles (0.00019%); highest among the groups gnomAD compares: African/African-American, 0.0013%; no homozygotes.

Submissions (2):

Ambry Genetics
Classification: Uncertain significance for Hereditary cancer-predisposing syndrome. Last evaluated: 2025-01-17. Review status: criteria provided, single submitter. Criteria: Ambry Variant Classification Scheme 2023. Collection method: clinical testing. Allele origin: germline.
Comment: The p.G602R variant (also known as c.1804G>A), located in coding exon 6 of the AXIN2 gene, results from a G to A substitution at nucleotide position 1804. The glycine at codon 602 is replaced by arginine, an amino acid with dissimilar properties. This amino acid position is conserved. In addition, this alteration is predicted to be tolerated by in silico analysis. Based on the available evidence, the clinical significance of this variant remains unclear.

Labcorp Genetics (formerly Invitae), Labcorp
Classification: Uncertain significance for Oligodontia-cancer predisposition syndrome. Last evaluated: 2022-10-08. Review status: criteria provided, single submitter. Criteria: Invitae Variant Classification Sherloc (09022015). Collection method: clinical testing. Allele origin: germline.
Comment: This sequence change replaces glycine, which is neutral and non-polar, with arginine, which is basic and polar, at codon 602 of the AXIN2 protein (p.Gly602Arg). This variant is present in population databases (no rsID available, gnomAD 0.003%). This variant has not been reported in the literature in individuals affected with AXIN2-related conditions. ClinVar contains an entry for this variant (Variation ID: 1399197). Algorithms developed to predict the effect of missense changes on protein structure and function are either unavailable or do not agree on the potential impact of this missense change (SIFT: "Tolerated"; PolyPhen-2: "Possibly Damaging"; Align-GVGD: "Class C0"). In summary, the available evidence is currently insufficient to determine the role of this variant in disease. Therefore, it has been classified as a Variant of Uncertain Significance.

NM_004655.4(AXIN2):c.1804G>A (p.Gly602Arg)

Gene: AXIN2 (axin 2; minus strand). Cytogenetic location: 17q24.1.
Variant type: single nucleotide variant.
Coding change: c.1804G>A on transcript NM_004655.4 (MANE Select); coding-DNA position 1804, G replaced by A.
Protein change: p.Gly602Arg; replaces glycine 602 with arginine.
Molecular consequence: missense variant. On other transcripts: intron variant (1).
Genome position (GRCh38, 1-based): chr17:65,536,972, C>T on the plus strand (G>A on the coding strand, the complement: AXIN2 is on the minus strand). VCF-style: chr17-65536972-C-T. GRCh37 (hg19) VCF-style: chr17-63533090-C-T.
Other names: c.1712+352G>A (NM_001363813.1); c.1804G>A (NM_004655.3); short protein forms G602R.
Identifiers: ClinVar variation 1399197 (VCV001399197.9), dbSNP rs1203434475, ClinGen allele CA400676591.